The following is an entry in ClinVar:

ClinVar aggregate classification (germline): Benign. Review status: criteria provided, multiple submitters, no conflicts (2 of 4 stars). 2 submissions from 2 submitters: Benign (2). Last evaluated 2018-01-13.

Conditions:
Hermansky-Pudlak syndrome 1 (HPS1). Also called: DELTA STORAGE POOL DISEASE. Identifiers: Orphanet 231500, Orphanet 79430, MedGen C2931875, MONDO:0008748, OMIM 203300.

Allele frequency attached by ClinVar (database versions not stated): TOPMed 0.27395; gnomAD 0.27683 and 0.28527; 1000 Genomes Project 30x 0.31355; 1000 Genomes Project 0.31989; gnomAD exomes 0.32692.
gnomAD v4.1: 43,625 of 152,854 alleles (29%); highest among the groups gnomAD compares: East Asian, 43%; 7,053 homozygotes.

Submissions (2):

Illumina Laboratory Services, Illumina
Classification: Benign for Hermansky-Pudlak syndrome 1. Last evaluated: 2018-01-13. Review status: criteria provided, single submitter. Criteria: ICSL Variant Classification Criteria 13 December 2019. Collection method: clinical testing. Allele origin: germline.
Comment: This variant was observed in the ICSL laboratory as part of a predisposition screen in an ostensibly healthy population. It had not been previously curated by ICSL or reported in the Human Gene Mutation Database (HGMD: prior to June 1st, 2018), and was therefore a candidate for classification through an automated scoring system. Utilizing variant allele frequency, disease prevalence and penetrance estimates, and inheritance mode, an automated score was calculated to assess if this variant is too frequent to cause the disease. Based on the score and internal cut-off values, a variant classified as benign is not then subjected to further curation. The score for this variant resulted in a classification of benign for this disease.

Breakthrough Genomics
Classification: Benign. Review status: criteria provided, single submitter. Criteria: ACMG Guidelines, 2015. Collection method: not provided. Allele origin: germline. Inheritance: Autosomal recessive inheritance. Affected: yes.

NM_000195.5(HPS1):c.-51C>A

Gene: HPS1 (HPS1 biogenesis of lysosomal organelles complex 3 subunit 1; minus strand). Cytogenetic location: 10q24.2.
Variant type: single nucleotide variant.
Coding change: c.-51C>A on transcript NM_000195.5 (MANE Select); 51 bases upstream of the start codon, C replaced by A.
Molecular consequence: 5 prime UTR variant.
Genome position (GRCh38, 1-based): chr10:98,445,350, G>T on the plus strand (C>A on the coding strand, the complement: HPS1 is on the minus strand). VCF-style: chr10-98445350-G-T. GRCh37 (hg19) VCF-style: chr10-100205107-G-T.
Other names: c.-967C>A (NM_001311345.2); c.-51C>A (NM_001322476.2, NM_001322477.2, NM_001322478.2 and 8 more transcripts); c.-277C>A (NM_001322483.2, NM_001322484.2, NM_001322485.2); c.-1066C>A (NM_001322487.2); c.-824C>A (NM_001322489.2).
Identifiers: ClinVar variation 298358 (VCV000298358.6), dbSNP rs1804689, ClinGen allele CA10636663.
Genomic context (GRCh38, chr10:98,445,350, plus strand): 5'-GATCATCTACCTTGGCAAGCACAGTGGAGCATCCAGACGGCCAGAGGTTCAGAAAGGGCT[G>T]CAGCAGACCGACTCGGTGACTGGCTCATGGGAGAGCAGCACAGCATCCCTGGTCCTGCAA-3'